The following is an entry in ClinVar:

NM_000368.5(TSC1):c.1354G>A (p.Gly452Ser)

Gene: TSC1 (TSC complex subunit 1; minus strand). Cytogenetic location: 9q34.13.
Variant type: single nucleotide variant.
Coding change: c.1354G>A on transcript NM_000368.5 (MANE Select); coding-DNA position 1354, G replaced by A.
Protein change: p.Gly452Ser; replaces glycine 452 with serine.
Molecular consequence: missense variant. On other transcripts: non-coding transcript variant (5).
Genome position (GRCh38, 1-based): chr9:132,906,815, C>T on the plus strand (G>A on the coding strand, the complement: TSC1 is on the minus strand). VCF-style: chr9-132906815-C-T. GRCh37 (hg19) VCF-style: chr9-135782202-C-T.
Other names: c.1351G>A, p.Gly451Ser (NM_001162426.2, NM_001406597.1, NM_001406598.1 and 6 more transcripts); c.1201G>A, p.Gly401Ser (NM_001162427.2, NM_001406610.1); c.991G>A, p.Gly331Ser (NM_001362177.2, NM_001406618.1, NM_001406619.1 and 5 more transcripts); c.1354G>A, p.Gly452Ser (NM_001406592.1, NM_001406593.1, NM_001406594.1 and 7 more transcripts); c.988G>A, p.Gly330Ser (NM_001406620.1, NM_001406621.1, NM_001406622.1 and 2 more transcripts); c.403G>A, p.Gly135Ser (NM_001406626.1); c.400G>A, p.Gly134Ser (NM_001406627.1, NM_001406628.1); c.301G>A, p.Gly101Ser (NM_001406629.1, NM_001406630.1); and 1 more; short protein forms G134S, G330S, G101S, G135S, G401S, G451S, G400S, G452S.
Identifiers: ClinVar variation 3720842 (VCV003720842.2).

ClinVar aggregate classification (germline): Uncertain significance (1 of 4 stars; one submission).

Conditions:
Tuberous sclerosis 1 (TSC1). Identifiers: Orphanet 805, MedGen C1854465, MONDO:0008612, OMIM 191100.

Submission:

Labcorp Genetics (formerly Invitae), Labcorp
Classification: Uncertain significance for Tuberous sclerosis 1. Last evaluated: 2024-10-30. Review status: criteria provided, single submitter. Criteria: Invitae Variant Classification Sherloc (09022015). Collection method: clinical testing. Allele origin: germline.
Comment: This sequence change replaces glycine, which is neutral and non-polar, with serine, which is neutral and polar, at codon 452 of the TSC1 protein (p.Gly452Ser). This variant is not present in population databases (gnomAD no frequency). This variant has not been reported in the literature in individuals affected with TSC1-related conditions. Invitae Evidence Modeling of protein sequence and biophysical properties (such as structural, functional, and spatial information, amino acid conservation, physicochemical variation, residue mobility, and thermodynamic stability) indicates that this missense variant is not expected to disrupt TSC1 protein function with a negative predictive value of 95%. In summary, the available evidence is currently insufficient to determine the role of this variant in disease. Therefore, it has been classified as a Variant of Uncertain Significance.